The following is an entry in ClinVar:

NM_006084.5(IRF9):c.952G>C (p.Glu318Gln)

Gene: IRF9 (interferon regulatory factor 9; plus strand). Cytogenetic location: 14q12.
Variant type: single nucleotide variant.
Coding change: c.952G>C on transcript NM_006084.5 (MANE Select); coding-DNA position 952, G replaced by C.
Protein change: p.Glu318Gln; replaces glutamic acid 318 with glutamine.
Molecular consequence: missense variant.
Genome position (GRCh38, 1-based): chr14:24,164,916, G>C. VCF-style: chr14-24164916-G-C. GRCh37 (hg19) VCF-style: chr14-24634125-G-C.
Other names: c.979G>C, p.Glu327Gln (NM_001385400.1, NM_001385401.1); c.689G>C, p.Arg230Pro (NM_001385402.1); short protein forms E327Q, E318Q, R230P.
Identifiers: ClinVar variation 1948987 (VCV001948987.5), dbSNP rs201942001, ClinGen allele CA257866252.

ClinVar aggregate classification (germline): Uncertain significance (1 of 4 stars; one submission).

Allele frequency attached by ClinVar (database versions not stated): 1000 Genomes Project 0.00020; 1000 Genomes Project 30x 0.00031.
gnomAD v4.1: 10 of 1,612,854 alleles (0.00062%); highest among the groups gnomAD compares: African/African-American, 0.011%; no homozygotes.

Submission:

Labcorp Genetics (formerly Invitae), Labcorp
Classification: Uncertain significance. Last evaluated: 2024-12-26. Review status: criteria provided, single submitter. Criteria: Invitae Variant Classification Sherloc (09022015). Collection method: clinical testing. Allele origin: germline.
Comment: This sequence change replaces glutamic acid, which is acidic and polar, with glutamine, which is neutral and polar, at codon 318 of the IRF9 protein (p.Glu318Gln). This variant is present in population databases (rs201942001, gnomAD 0.007%). This variant has not been reported in the literature in individuals affected with IRF9-related conditions. ClinVar contains an entry for this variant (Variation ID: 1948987). An algorithm developed to predict the effect of missense changes on protein structure and function outputs the following: PolyPhen-2: "Benign". The glutamine amino acid residue is found in multiple mammalian species, which suggests that this missense change does not adversely affect protein function. In summary, the available evidence is currently insufficient to determine the role of this variant in disease. Therefore, it has been classified as a Variant of Uncertain Significance.